The following is an entry in ClinVar:

NM_004329.3(BMPR1A):c.840T>C (p.Thr280=)

Gene: BMPR1A (bone morphogenetic protein receptor type 1A; plus strand). Cytogenetic location: 10q23.2.
Variant type: single nucleotide variant.
Coding change: c.840T>C on transcript NM_004329.3 (MANE Select); coding-DNA position 840, T replaced by C.
Protein change: p.Thr280=; no amino-acid change (threonine 280 retained).
Molecular consequence: synonymous variant.
Genome position (GRCh38, 1-based): chr10:86,917,298, T>C. VCF-style: chr10-86917298-T-C. GRCh37 (hg19) VCF-style: chr10-88677055-T-C.
Identifiers: ClinVar variation 460513 (VCV000460513.15), dbSNP rs1032369061, ClinGen allele CA211207093.

ClinVar aggregate classification (germline): Benign/Likely benign. Review status: criteria provided, multiple submitters, no conflicts (2 of 4 stars). 3 submissions from 3 submitters: Benign (1); Likely benign (2). Last evaluated 2025-09-24.

Conditions:
Juvenile polyposis syndrome (JPS). Identifiers: Orphanet 2929, MedGen C0345893, MONDO:0017380, OMIM 174900.
Hereditary cancer-predisposing syndrome. Also called: Hereditary neoplastic syndrome; Neoplastic Syndromes, Hereditary; Tumor predisposition; Hereditary Cancer Syndrome. Identifiers: Orphanet 140162, MedGen C0027672, MeSH D009386, MONDO:0015356.

Allele frequency attached by ClinVar (database versions not stated): gnomAD 0.00001; TOPMed 0.00001.
gnomAD v4.1: 1 of 1,614,040 alleles (0.000062%); highest among the groups gnomAD compares: African/African-American, 0.0013%; no homozygotes.

Submissions (3):

Labcorp Genetics (formerly Invitae), Labcorp
Classification: Likely benign for Juvenile polyposis syndrome. Last evaluated: 2025-09-24. Review status: criteria provided, single submitter. Criteria: Invitae Variant Classification Sherloc (09022015). Collection method: clinical testing. Allele origin: germline.

Myriad Genetics, Inc.
Classification: Benign for Juvenile polyposis syndrome. Last evaluated: 2024-08-05. Review status: criteria provided, single submitter. Criteria: Myriad Autosomal Dominant, Autosomal Recessive and X-Linked Classification Criteria (2023). Collection method: clinical testing. Allele origin: unknown.
Comment: This variant is considered benign. This variant is a silent/synonymous amino acid change and it is not expected to impact splicing.

Ambry Genetics
Classification: Likely benign for Hereditary cancer-predisposing syndrome. Last evaluated: 2020-05-11. Review status: criteria provided, single submitter. Criteria: Ambry Variant Classification Scheme 2023. Collection method: clinical testing. Allele origin: germline.